The following is an entry in ClinVar:

ClinVar aggregate classification (germline): Uncertain significance (1 of 4 stars; one submission).

Submission:

GeneDx
Classification: Uncertain significance. Last evaluated: 2023-11-09. Review status: criteria provided, single submitter. Criteria: GeneDx Variant Classification Process June 2021. Collection method: clinical testing. Allele origin: germline. Affected: yes.
Comment: Not observed at significant frequency in large population cohorts (gnomAD); In silico analysis supports that this missense variant has a deleterious effect on protein structure/function; Has not been previously published as pathogenic or benign to our knowledge

NM_033022.4(RPS24):c.269G>C (p.Arg90Thr)

Gene: RPS24 (ribosomal protein S24; plus strand). Cytogenetic location: 10q22.3.
Variant type: single nucleotide variant.
Coding change: c.269G>C on transcript NM_033022.4 (MANE Select); coding-DNA position 269, G replaced by C.
Protein change: p.Arg90Thr; replaces arginine 90 with threonine.
Molecular consequence: missense variant.
Genome position (GRCh38, 1-based): chr10:78,035,710, G>C. VCF-style: chr10-78035710-G-C. GRCh37 (hg19) VCF-style: chr10-79795468-G-C.
Other names: c.269G>C, p.Arg90Thr (NM_001026.5, NM_001142282.2, NM_001142283.2 and 2 more transcripts); short protein forms R90T.
Identifiers: ClinVar variation 3364081 (VCV003364081.1).